The following is an entry in ClinVar:

NM_001846.4(COL4A2):c.4807C>A (p.His1603Asn)

Genes: COL4A2 (collagen type IV alpha 2 chain; plus strand), COL4A2-AS1 (COL4A2 antisense RNA 1; minus strand). Cytogenetic location: 13q34.
Variant type: single nucleotide variant.
Coding change: c.4807C>A on transcript NM_001846.4 (MANE Select); coding-DNA position 4807, C replaced by A.
Protein change: p.His1603Asn; replaces histidine 1603 with asparagine.
Molecular consequence: missense variant. On other transcripts: non-coding transcript variant (1).
Genome position (GRCh38, 1-based): chr13:110,508,147, C>A. VCF-style: chr13-110508147-C-A. GRCh37 (hg19) VCF-style: chr13-111160494-C-A.
Other names: c.4807C>A (NM_001846.2); short protein forms H1603N.
Identifiers: ClinVar variation 2964107 (VCV002964107.4), dbSNP rs779445980, ClinGen allele CA7050662.
Genomic context (GRCh38, chr13:110,508,147, plus strand): 5'-ATCAAGCCCTACATCAGCCGCTGTTCTGTGTGTGAGGCCCCGGCCATCGCCATCGCGGTC[C>A]ACAGTCAGGATGTCTCCATCCCACACTGCCCAGCTGGGTGGCGGAGTTTGTGGATCGGAT-3'
Protein context (NP_001837.2, residues 1593-1613): CEAPAIAIAV[His1603Asn]SQDVSIPHCP

ClinVar aggregate classification (germline): Uncertain significance. Review status: criteria provided, multiple submitters, no conflicts (2 of 4 stars). 2 submissions from 2 submitters: Uncertain significance (2). Last evaluated 2024-10-19.

Conditions:
Inborn genetic diseases. Identifiers: MedGen C0950123, MeSH D030342.

Allele frequency attached by ClinVar (database versions not stated): gnomAD exomes below 0.00001; TOPMed below 0.00001; ExAC 0.00001; gnomAD 0.00001.
gnomAD v4.1: 5 of 1,614,150 alleles (0.00031%); highest among the groups gnomAD compares: Non-Finnish European, 0.00042%; no homozygotes.

Submissions (2):

Ambry Genetics
Classification: Uncertain significance for Inborn genetic diseases. Last evaluated: 2024-10-19. Review status: criteria provided, single submitter. Criteria: Ambry Variant Classification Scheme 2023. Collection method: clinical testing. Allele origin: germline.

Labcorp Genetics (formerly Invitae), Labcorp
Classification: Uncertain significance. Last evaluated: 2022-12-07. Review status: criteria provided, single submitter. Criteria: Invitae Variant Classification Sherloc (09022015). Collection method: clinical testing. Allele origin: germline.
Comment: In summary, the available evidence is currently insufficient to determine the role of this variant in disease. Therefore, it has been classified as a Variant of Uncertain Significance. Advanced modeling of protein sequence and biophysical properties (such as structural, functional, and spatial information, amino acid conservation, physicochemical variation, residue mobility, and thermodynamic stability) has been performed at Invitae for this missense variant, however the output from this modeling did not meet the statistical confidence thresholds required to predict the impact of this variant on COL4A2 protein function. This variant has not been reported in the literature in individuals affected with COL4A2-related conditions. The frequency data for this variant in the population databases is considered unreliable, as metrics indicate poor data quality at this position in the gnomAD database. This sequence change replaces histidine, which is basic and polar, with asparagine, which is neutral and polar, at codon 1603 of the COL4A2 protein (p.His1603Asn).